The following is an entry in ClinVar:

ClinVar aggregate classification (germline): Benign (1 of 4 stars; one submission).

Allele frequency attached by ClinVar (database versions not stated): 1000 Genomes Project 0.19748; 1000 Genomes Project 30x 0.19988; TOPMed 0.29187; gnomAD 0.30014 and 0.30924.
gnomAD v4.1: 45,561 of 152,024 alleles (30%); highest among the groups gnomAD compares: Non-Finnish European, 37%; 7,384 homozygotes.

Submission:

GeneDx
Classification: Benign. Last evaluated: 2018-06-19. Review status: criteria provided, single submitter. Criteria: GeneDx Variant Classification (06012015). Collection method: clinical testing. Allele origin: germline. Affected: yes.
Comment: This variant is considered likely benign or benign based on one or more of the following criteria: it is a conservative change, it occurs at a poorly conserved position in the protein, it is predicted to be benign by multiple in silico algorithms, and/or has population frequency not consistent with disease.

NM_014845.6(FIG4):c.1272-238C>T

Gene: FIG4 (FIG4 phosphoinositide 5-phosphatase; plus strand). Cytogenetic location: 6q21.
Variant type: single nucleotide variant.
Coding change: c.1272-238C>T on transcript NM_014845.6 (MANE Select); 238 bases into the intron before coding-DNA position 1272, C replaced by T.
Molecular consequence: intron variant.
Genome position (GRCh38, 1-based): chr6:109,761,853, C>T. VCF-style: chr6-109761853-C-T. GRCh37 (hg19) VCF-style: chr6-110083056-C-T.
Identifiers: ClinVar variation 681697 (VCV000681697.1), dbSNP rs7756284, ClinGen allele CA15471503.
Genomic context (GRCh38, chr6:109,761,853, plus strand): 5'-GAGTGAAAGGCTTTGGAGAAAGCTCAGGCAGGGATGTTATATGCCAAGATTAAGGATCAC[C>T]AATATTTGATATTAAGTTGCAGGTCTTTTGTGTCTCTTTCACATCAAATGTTGCTGGTTA-3'